The following is an entry in ClinVar:

ClinVar aggregate classification (germline): Uncertain significance. Review status: criteria provided, multiple submitters, no conflicts (2 of 4 stars). 2 submissions from 2 submitters: Uncertain significance (2). Last evaluated 2023-06-22.

Conditions:
Immunodeficiency 14 (IMD14A). Also called: Activated PI3K Delta Syndrome Type 1 (APDS1); p110-DELTA-ACTIVATING MUTATION CAUSING SENESCENT T CELLS, LYMPHADENOPATHY, AND IMMUNODEFICIENCY; IMMUNODEFICIENCY 14A WITH LYMPHOPROLIFERATION, AUTOSOMAL DOMINANT; ACTIVATED PI3K-DELTA SYNDROME 1. Identifiers: Orphanet 397596, Orphanet 693661, MedGen C5907821, MONDO:0014222, OMIM 615513.

Allele frequency attached by ClinVar (database versions not stated): gnomAD 0.00001; ExAC 0.00005; 1000 Genomes Project 0.00020; 1000 Genomes Project 30x 0.00031.

Submissions (2):

Neuberg Centre For Genomic Medicine, NCGM
Classification: Uncertain significance for Immunodeficiency 14. Last evaluated: 2023-06-22. Review status: criteria provided, single submitter. Criteria: ACMG Guidelines, 2015. Collection method: clinical testing. Allele origin: germline. Inheritance: Autosomal dominant inheritance. Affected: yes.
Comment: The observed missense variant c.518C>A(p.Pro173His) in PIK3CD gene has not been reported previously as a pathogenic variant nor as a benign variant, to our knowledge. The c.518C>A(p.Pro173His) variant is reported with 0.004% allele frequency in gnomAD Exomes. The amino acid Pro at position 173 is changed to a His changing protein sequence and it might alter its composition and physico-chemical properties. Multiple lines of computational evidence (Polyphen-probably damaging, SIFT-damaging and Mutation Taster-disease causing) predict a damaging effect on protein structure and function for this variant. The reference amino acid p.Pro173His in PIK3CD is predicted as conserved by GERP++ and PhyloP across 100 vertebrates. For these reasons, this variant has been classified as Uncertain Significance.

Labcorp Genetics (formerly Invitae), Labcorp
Classification: Uncertain significance for Activated PI3K-delta syndrome. Last evaluated: 2022-10-26. Review status: criteria provided, single submitter. Criteria: Invitae Variant Classification Sherloc (09022015). Collection method: clinical testing. Allele origin: germline.
Comment: This sequence change replaces proline, which is neutral and non-polar, with histidine, which is basic and polar, at codon 173 of the PIK3CD protein (p.Pro173His). In summary, the available evidence is currently insufficient to determine the role of this variant in disease. Therefore, it has been classified as a Variant of Uncertain Significance. Advanced modeling of protein sequence and biophysical properties (such as structural, functional, and spatial information, amino acid conservation, physicochemical variation, residue mobility, and thermodynamic stability) has been performed at Invitae for this missense variant, however the output from this modeling did not meet the statistical confidence thresholds required to predict the impact of this variant on PIK3CD protein function. This variant has not been reported in the literature in individuals affected with PIK3CD-related conditions. This variant is present in population databases (rs529803273, gnomAD 0.04%).

NM_005026.5(PIK3CD):c.518C>A (p.Pro173His)

Gene: PIK3CD (phosphatidylinositol-4,5-bisphosphate 3-kinase catalytic subunit delta; plus strand). Cytogenetic location: 1p36.22.
Variant type: single nucleotide variant.
Coding change: c.518C>A on transcript NM_005026.5 (MANE Select); coding-DNA position 518, C replaced by A.
Protein change: p.Pro173His; replaces proline 173 with histidine.
Molecular consequence: missense variant.
Genome position (GRCh38, 1-based): chr1:9,715,996, C>A. VCF-style: chr1-9715996-C-A. GRCh37 (hg19) VCF-style: chr1-9776054-C-A.
Other names: c.518C>A, p.Pro173His (NM_001350234.2, NM_001350235.1); short protein forms P173H.
Identifiers: ClinVar variation 1985513 (VCV001985513.5), dbSNP rs529803273, ClinGen allele CA576890.